The following is an entry in ClinVar:

NM_016123.4(IRAK4):c.123dup (p.Pro42fs)

Gene: IRAK4 (interleukin 1 receptor associated kinase 4; plus strand). Cytogenetic location: 12q12.
Variant type: Duplication.
Coding change: c.123dup on transcript NM_016123.4 (MANE Select); coding-DNA position 123, one base duplicated (A; older notation c.123dupA).
Protein change: p.Pro42fs; shifts the reading frame from proline 42.
Molecular consequence: frameshift variant. On other transcripts: 5 prime UTR variant (8), intron variant (2).
Genome position (GRCh38, 1-based): chr12:43,768,234, A duplicated; the last of 6 consecutive A bases (chr12:43,768,229-43,768,234); duplicating any one gives the same sequence. VCF-style (leftmost placement, unchanged base first): chr12-43768228-T-TA. GRCh37 (hg19) VCF-style: chr12-44162031-T-TA.
Other names: c.123dup, p.Pro42fs (NM_001114182.3, NM_001351345.2); c.-104dup (NM_001145256.2, NM_001145257.2, NM_001351338.2); c.-317dup (NM_001351339.2, NM_001351340.2, NM_001351341.2); c.-255dup (NM_001351343.2, NM_001351344.2); c.-278-2804dup (NM_001351342.2); c.-65-3946dup (NM_001145258.2); short protein forms P42fs.
Identifiers: ClinVar variation 929846 (VCV000929846.2), dbSNP rs1940376224, ClinGen allele CA645582399.

ClinVar aggregate classification (germline): Pathogenic. Review status: criteria provided, single submitter (1 of 4 stars). 2 submissions from 2 submitters: Pathogenic (1). 1 of the submissions does not count toward it. Last evaluated 2025-11-10.

Conditions:
Immunodeficiency 67. Also called: Immunodeficiency due to interleukin-1 receptor-associated kinase-4 deficiency. Identifiers: Orphanet 70592, MedGen C1843256, MONDO:0011888, OMIM 607676.

Submissions (2):

Dasa
Classification: Pathogenic. Last evaluated: 2025-11-10. Review status: criteria provided, single submitter. Criteria: DASA Assertion Criteria. Collection method: clinical testing. Allele origin: germline.
Comment: NM_016123.4(IRAK4):c.123dup (p.Pro42Thrfs*4) introduces a premature termination codon predicted to result in loss of normal protein function. Loss-of-function is an established mechanism of disease for this gene. This variant has been reported in an affected individual with related phenotype in a genotype context consistent with recessive disease (PMID: 16647421). The variant is present at low frequency in population datasets. Based on the available data, this variant is classified as pathogenic.

OMIM
Classification: Pathogenic for IMMUNODEFICIENCY 67. Last evaluated: 2020-06-25. Review status: no assertion criteria provided. Collection method: literature only. Allele origin: germline. Not counted in ClinVar's aggregate classification.

Literature cited by the submitters: PubMed 16647421 (cited by Dasa and OMIM); PubMed 26825884 (cited by OMIM).